The following is an entry in ClinVar:

NM_006642.5(SDCCAG8):c.929+6T>C

Gene: SDCCAG8 (SHH signaling and ciliogenesis regulator SDCCAG8; plus strand). Cytogenetic location: 1q43.
Variant type: single nucleotide variant.
Coding change: c.929+6T>C on transcript NM_006642.5 (MANE Select); 6 bases into the intron after coding-DNA position 929, T replaced by C.
Molecular consequence: intron variant.
Genome position (GRCh38, 1-based): chr1:243,308,183, T>C. VCF-style: chr1-243308183-T-C. GRCh37 (hg19) VCF-style: chr1-243471485-T-C.
Other names: c.635+6T>C (NM_001350249.2); c.26+6T>C (NM_001350251.2, NM_001350246.2, NM_001350247.2); c.1025+6T>C (NM_001350248.2).
Identifiers: ClinVar variation 1017620 (VCV001017620.7), dbSNP rs949556945, ClinGen allele CA40432717.

ClinVar aggregate classification (germline): Uncertain significance. Review status: criteria provided, multiple submitters, no conflicts (2 of 4 stars). 2 submissions from 2 submitters: Uncertain significance (2). Last evaluated 2025-10-03.

Conditions:
Senior-Loken syndrome 7 (SLSN7). Identifiers: Orphanet 3156, MedGen C3150877, MONDO:0013326, OMIM 613615.
Bardet-Biedl syndrome 16 (BBS16). Identifiers: Orphanet 110, MedGen C3889474, MONDO:0014444, OMIM 615993.

Allele frequency attached by ClinVar (database versions not stated): TOPMed below 0.00001; gnomAD 0.00001.
gnomAD v4.1: 1 of 1,613,978 alleles (0.000062%); highest among the groups gnomAD compares: African/African-American, 0.0013%; no homozygotes.

Submissions (2):

Labcorp Genetics (formerly Invitae), Labcorp
Classification: Uncertain significance for Bardet-Biedl syndrome 16; Senior-Loken syndrome 7. Last evaluated: 2025-10-03. Review status: criteria provided, single submitter. Criteria: Invitae Variant Classification Sherloc (09022015). Collection method: clinical testing. Allele origin: germline.
Comment: This sequence change falls in intron 8 of the SDCCAG8 gene. It does not directly change the encoded amino acid sequence of the SDCCAG8 protein. It affects a nucleotide within the consensus splice site. The frequency data for this variant in the population databases is considered unreliable, as metrics indicate poor data quality at this position in the gnomAD database. This variant has not been reported in the literature in individuals affected with SDCCAG8-related conditions. ClinVar contains an entry for this variant (Variation ID: 1017620). Variants that disrupt the consensus splice site are a relatively common cause of aberrant splicing (PMID: 17576681, 9536098). Algorithms developed to predict the effect of sequence changes on RNA splicing suggest that this variant may disrupt the consensus splice site. In summary, the available evidence is currently insufficient to determine the role of this variant in disease. Therefore, it has been classified as a Variant of Uncertain Significance.

Fulgent Genetics
Classification: Uncertain significance for Senior-Loken syndrome 7; Bardet-Biedl syndrome 16. Last evaluated: 2024-05-12. Review status: criteria provided, single submitter. Criteria: ACMG Guidelines, 2015. Collection method: clinical testing. Allele origin: germline.

Literature cited by the submitters: PubMed 17576681 (cited by Labcorp Genetics (formerly Invitae), Labcorp); PubMed 9536098 (cited by Labcorp Genetics (formerly Invitae), Labcorp).